The following is an entry in ClinVar:

NM_001379500.1(COL18A1):c.107-12581C>T

Gene: COL18A1 (collagen type XVIII alpha 1 chain; plus strand). Cytogenetic location: 21q22.3.
Variant type: single nucleotide variant.
Coding change: c.107-12581C>T on transcript NM_001379500.1 (MANE Select); 12581 bases into the intron before coding-DNA position 107, C replaced by T.
Molecular consequence: intron variant. On other transcripts: missense variant (2).
Genome position (GRCh38, 1-based): chr21:45,455,661, C>T. VCF-style: chr21-45455661-C-T. GRCh37 (hg19) VCF-style: chr21-46875575-C-T.
Other names: c.131C>T, p.Thr44Met (NM_030582.4, NM_130444.3); short protein forms T44M.
Identifiers: ClinVar variation 1403557 (VCV001403557.3), dbSNP rs199984023, ClinGen allele CA10065392.

ClinVar aggregate classification (germline): Uncertain significance (1 of 4 stars; one submission).

Allele frequency attached by ClinVar (database versions not stated): gnomAD 0.00004 and 0.00005; TOPMed 0.00005; gnomAD exomes 0.00006; ExAC 0.00007; ESP Exome Variant Server 0.00032.
gnomAD v4.1: 89 of 1,613,910 alleles (0.0055%); highest among the groups gnomAD compares: South Asian, 0.0066%; no homozygotes.

Submission:

Labcorp Genetics (formerly Invitae), Labcorp
Classification: Uncertain significance. Last evaluated: 2022-11-01. Review status: criteria provided, single submitter. Criteria: Invitae Variant Classification Sherloc (09022015). Collection method: clinical testing. Allele origin: germline.
Comment: The COL18A1 gene has multiple clinically relevant transcripts. This variant occurs in alternate transcript NM_030582.3, and corresponds to NM_130445.3:c.107-12581C>T in the primary transcript. This sequence change replaces threonine, which is neutral and polar, with methionine, which is neutral and non-polar, at codon 44 of the COL18A1 protein (p.Thr44Met). The frequency data for this variant in the population databases is considered unreliable, as metrics indicate poor data quality at this position in the gnomAD database. This variant has not been reported in the literature in individuals affected with COL18A1-related conditions. ClinVar contains an entry for this variant (Variation ID: 1403557). Experimental studies and prediction algorithms are not available or were not evaluated, and the functional significance of this variant is currently unknown. Algorithms developed to predict the effect of sequence changes on RNA splicing suggest that this variant is not likely to affect RNA splicing. In summary, the available evidence is currently insufficient to determine the role of this variant in disease. Therefore, it has been classified as a Variant of Uncertain Significance.